The following is an entry in ClinVar:

NM_003322.6(TULP1):c.828G>A (p.Ala276=)

Gene: TULP1 (TUB like protein 1; minus strand). Cytogenetic location: 6p21.31.
Variant type: single nucleotide variant.
Coding change: c.828G>A on transcript NM_003322.6 (MANE Select); coding-DNA position 828, G replaced by A.
Protein change: p.Ala276=; no amino-acid change (alanine 276 retained).
Molecular consequence: synonymous variant.
Genome position (GRCh38, 1-based): chr6:35,506,274, C>T on the plus strand (G>A on the coding strand, the complement: TULP1 is on the minus strand). VCF-style: chr6-35506274-C-T. GRCh37 (hg19) VCF-style: chr6-35474051-C-T.
Other names: c.828G>A (NM_003322.5); c.669G>A, p.Ala223= (NM_001289395.2).
Identifiers: ClinVar variation 968080 (VCV000968080.11), dbSNP rs929294496, ClinGen allele CA137288926.

ClinVar aggregate classification (germline): Uncertain significance. Review status: criteria provided, multiple submitters, no conflicts (2 of 4 stars). 5 submissions from 5 submitters: Uncertain significance (5). Last evaluated 2026-03-14.

Conditions:
TULP1-related disorder. Also called: TULP1-related condition; TULP1-related disorders.
Retinitis pigmentosa 14 (RP14). Also called: RETINITIS PIGMENTOSA, JUVENILE, TULP1-RELATED. Identifiers: Orphanet 791, MedGen C1838603, MONDO:0010827, OMIM 600132.

Allele frequency attached by ClinVar (database versions not stated): gnomAD 0.00001.
gnomAD v4.1: 7 of 1,582,296 alleles (0.00044%); highest among the groups gnomAD compares: Non-Finnish European, 0.00043%; no homozygotes.

Submissions (5):

PreventionGenetics, part of Exact Sciences
Classification: Uncertain significance for TULP1-related condition. Last evaluated: 2026-03-14. Review status: criteria provided, single submitter. Criteria: ACMG Guidelines, 2015. Collection method: clinical testing. Allele origin: germline.
Comment: The TULP1 c.828G>A variant is not predicted to result in an amino acid change (p.=). This variant has been reported in the homozygous state in an individual with retinitis pigmentosa (Supplementary Table 4, Ozguc Caliskan et al. 2024. PubMed ID: 38576124). This variant is predicted to alter splicing based on available splicing prediction programs (SpliceAI, Jaganathan et al. 2019. PubMed ID: 30661751). However, the use of computer prediction programs is not equivalent to functional evidence. This variant is not present in a large population database (gnomAD), indicating the variant is rare. At this time, the clinical significance of this variant is uncertain due to the absence of conclusive functional and genetic evidence.

Blueprint Genetics
Classification: Uncertain significance. Last evaluated: 2024-04-09. Review status: criteria provided, single submitter. Criteria: ACMG Guidelines, 2015. Collection method: clinical testing. Allele origin: germline.

3billion
Classification: Uncertain significance for Retinitis pigmentosa 14. Last evaluated: 2023-11-21. Review status: criteria provided, single submitter. Criteria: ACMG Guidelines, 2015. Collection method: clinical testing. Allele origin: germline. Affected: yes.
Comment: The variant is not observed in the gnomAD v2.1.1 dataset. Predicted Consequence/Location: Synonymous variant In silico tools predict the variant to alter splicing and produce an abnormal transcript [SpliceAI: 0.37 (>=0.2, moderate evidence for spliceogenicity)]. Therefore, this variant is classified as VUS according to the recommendation of ACMG/AMP guideline.

Labcorp Genetics (formerly Invitae), Labcorp
Classification: Uncertain significance. Last evaluated: 2022-09-27. Review status: criteria provided, single submitter. Criteria: Invitae Variant Classification Sherloc (09022015). Collection method: clinical testing. Allele origin: germline.
Comment: This sequence change affects codon 276 of the TULP1 mRNA. It is a 'silent' change, meaning that it does not change the encoded amino acid sequence of the TULP1 protein. This variant also falls at the last nucleotide of exon 9, which is part of the consensus splice site for this exon. This variant is not present in population databases (gnomAD no frequency). This variant has not been reported in the literature in individuals affected with TULP1-related conditions. ClinVar contains an entry for this variant (Variation ID: 968080). Variants that disrupt the consensus splice site are a relatively common cause of aberrant splicing (PMID: 17576681, 9536098). Algorithms developed to predict the effect of sequence changes on RNA splicing suggest that this variant may disrupt the consensus splice site. In summary, the available evidence is currently insufficient to determine the role of this variant in disease. Therefore, it has been classified as a Variant of Uncertain Significance.

GeneDx
Classification: Uncertain significance. Last evaluated: 2021-12-17. Review status: criteria provided, single submitter. Criteria: GeneDx Variant Classification Process June 2021. Collection method: clinical testing. Allele origin: germline. Affected: yes.
Comment: Has not been previously published as pathogenic or benign to our knowledge; In-silico analysis is inconclusive as to whether the variant alters gene splicing. In the absence of RNA/functional studies, the actual effect of this sequence change is unknown.

Literature cited by the submitters: PubMed 17576681 (cited by Labcorp Genetics (formerly Invitae), Labcorp); PubMed 9536098 (cited by Labcorp Genetics (formerly Invitae), Labcorp).